The following is an entry in ClinVar:

ClinVar aggregate classification (germline): Uncertain significance (1 of 4 stars; one submission).

gnomAD v4.1: 1 of 1,246,424 alleles (0.00008%); highest among the groups gnomAD compares: Admixed American, 0.0042%; no homozygotes.

Submission:

Labcorp Genetics (formerly Invitae), Labcorp
Classification: Uncertain significance. Last evaluated: 2025-12-14. Review status: criteria provided, single submitter. Criteria: Invitae Variant Classification Sherloc (09022015). Collection method: clinical testing. Allele origin: germline.
Comment: This sequence change replaces alanine, which is neutral and non-polar, with glycine, which is neutral and non-polar, at codon 84 of the GATA5 protein (p.Ala84Gly). This variant is not present in population databases (gnomAD no frequency). This variant has not been reported in the literature in individuals affected with GATA5-related conditions. Invitae Evidence Modeling of protein sequence and biophysical properties (such as structural, functional, and spatial information, amino acid conservation, physicochemical variation, residue mobility, and thermodynamic stability) indicates that this missense variant is not expected to disrupt GATA5 protein function with a negative predictive value of 80%. In summary, the available evidence is currently insufficient to determine the role of this variant in disease. Therefore, it has been classified as a Variant of Uncertain Significance.

NM_080473.5(GATA5):c.251C>G (p.Ala84Gly)

Gene: GATA5 (GATA binding protein 5; minus strand). Cytogenetic location: 20q13.33.
Variant type: single nucleotide variant.
Coding change: c.251C>G on transcript NM_080473.5 (MANE Select); coding-DNA position 251, C replaced by G.
Protein change: p.Ala84Gly; replaces alanine 84 with glycine.
Molecular consequence: missense variant.
Genome position (GRCh38, 1-based): chr20:62,475,271, G>C on the plus strand (C>G on the coding strand, the complement: GATA5 is on the minus strand). VCF-style: chr20-62475271-G-C. GRCh37 (hg19) VCF-style: chr20-61050327-G-C.
Other names: short protein forms A84G.
Identifiers: ClinVar variation 4767293 (VCV004767293.1).